The following is an entry in ClinVar:

NM_020693.4(DSCAML1):c.4092G>A (p.Thr1364=)

Gene: DSCAML1 (DS cell adhesion molecule like 1; minus strand). Cytogenetic location: 11q23.3.
Variant type: single nucleotide variant.
Coding change: c.4092G>A on transcript NM_020693.4 (MANE Select); coding-DNA position 4092, G replaced by A.
Protein change: p.Thr1364=; no amino-acid change (threonine 1364 retained).
Molecular consequence: synonymous variant.
Genome position (GRCh38, 1-based): chr11:117,439,318, C>T on the plus strand (G>A on the coding strand, the complement: DSCAML1 is on the minus strand). VCF-style: chr11-117439318-C-T. GRCh37 (hg19) VCF-style: chr11-117310034-C-T.
Other names: c.4272G>A (NM_020693.3).
Identifiers: ClinVar variation 1578757 (VCV001578757.9), dbSNP rs374221934, ClinGen allele CA6296495.
Genomic context (GRCh38, chr11:117,439,318, plus strand): 5'-AGCCTCACCTTGCACCAGAAGGTTGACGATGATGGTGTCAAAGCCACCAGTGTTGGTGGC[C>T]GTGCACGTGTAGTAGCCAGAGTCCTCAGCCTTCACTGCACGCAGCAGCAGTGTGCCATTG-3'
Protein context (NP_065744.3, residues 1354-1374): KAEDSGYYTC[Thr1364=]ATNTGGFDTI

ClinVar aggregate classification (germline): Likely benign. Review status: criteria provided, single submitter (1 of 4 stars). 2 submissions from 2 submitters: Likely benign (1). 1 of the submissions does not count toward it. Last evaluated 2025-12-22.

Conditions:
DSCAML1-related disorder. Also called: DSCAML1-related condition.

Allele frequency attached by ClinVar (database versions not stated): gnomAD exomes 0.00013 and 0.00017; ExAC 0.00017; ESP Exome Variant Server 0.00023; gnomAD 0.00023 and 0.00024; TOPMed 0.00026.
gnomAD v4.1: 233 of 1,614,064 alleles (0.014%); highest among the groups gnomAD compares: Admixed American, 0.05%; no homozygotes.

Submissions (2):

Labcorp Genetics (formerly Invitae), Labcorp
Classification: Likely benign. Last evaluated: 2025-12-22. Review status: criteria provided, single submitter. Criteria: Invitae Variant Classification Sherloc (09022015). Collection method: clinical testing. Allele origin: germline.

PreventionGenetics, part of Exact Sciences
Classification: Likely benign for DSCAML1-related condition. Last evaluated: 2024-06-03. Review status: no assertion criteria provided. Collection method: clinical testing. Allele origin: germline. Not counted in ClinVar's aggregate classification.
Comment: This variant is classified as likely benign based on ACMG/AMP sequence variant interpretation guidelines (Richards et al. 2015 PMID: 25741868, with internal and published modifications).